The following is an entry in ClinVar:

ClinVar aggregate classification (germline): Uncertain significance. Review status: criteria provided, multiple submitters, no conflicts (2 of 4 stars). 2 submissions from 2 submitters: Uncertain significance (2). Last evaluated 2024-10-08.

Conditions:
Diamond-Blackfan anemia 5 (DBA5). Also called: RPL35A-Related Diamond-Blackfan Anemia. Identifiers: Orphanet 124, MedGen C2675859, MONDO:0012925, OMIM 612528.

Allele frequency attached by ClinVar (database versions not stated): ESP Exome Variant Server 0.00015.
gnomAD v4.1: 18 of 1,613,060 alleles (0.0011%); highest among the groups gnomAD compares: African/African-American, 0.0027%; no homozygotes.

Submissions (2):

Revvity Omics, Revvity
Classification: Uncertain significance for Diamond-Blackfan anemia 5. Last evaluated: 2024-10-08. Review status: criteria provided, single submitter. Criteria: ACMG Guidelines, 2015. Collection method: clinical testing. Allele origin: germline.

Labcorp Genetics (formerly Invitae), Labcorp
Classification: Uncertain significance for Diamond-Blackfan anemia 5. Last evaluated: 2024-03-21. Review status: criteria provided, single submitter. Criteria: Invitae Variant Classification Sherloc (09022015). Collection method: clinical testing. Allele origin: germline.
Comment: This sequence change replaces glycine, which is neutral and non-polar, with serine, which is neutral and polar, at codon 62 of the RPL35A protein (p.Gly62Ser). This variant is present in population databases (rs146882967, gnomAD 0.01%). This variant has not been reported in the literature in individuals affected with RPL35A-related conditions. ClinVar contains an entry for this variant (Variation ID: 2084325). An algorithm developed to predict the effect of missense changes on protein structure and function (PolyPhen-2) suggests that this variant is likely to be tolerated. In summary, the available evidence is currently insufficient to determine the role of this variant in disease. Therefore, it has been classified as a Variant of Uncertain Significance.

NM_000996.4(RPL35A):c.184G>A (p.Gly62Ser)

Genes: RPL35A (ribosomal protein L35a; plus strand), DRC9 (dynein regulatory complex subunit 9; minus strand). Cytogenetic location: 3q29.
Variant type: single nucleotide variant.
Coding change: c.184G>A on transcript NM_000996.4 (MANE Select); coding-DNA position 184, G replaced by A.
Protein change: p.Gly62Ser; replaces glycine 62 with serine.
Molecular consequence: missense variant. On other transcripts: intron variant (3).
Genome position (GRCh38, 1-based): chr3:197,954,022, G>A. VCF-style: chr3-197954022-G-A. GRCh37 (hg19) VCF-style: chr3-197680893-G-A.
Other names: c.184G>A, p.Gly62Ser (NM_001316311.2); c.-50+5507C>T (NM_001323028.2); c.-60+5507C>T (NM_032263.5); c.-375+5507C>T (NM_001323029.2); short protein forms G62S.
Identifiers: ClinVar variation 2084325 (VCV002084325.5), dbSNP rs146882967, ClinGen allele CA2789204.
Genomic context (GRCh38, chr3:197,954,022, plus strand): 5'-ATATCAGCTTGTATTCCTCTTCTTTCCCTTTTTAAAATCAGCAACACAGTCACTCCTGGC[G>A]GCAAACCAAACAAAACCAGAGTCATCTGGGGAAAAGTAACTCGGGCCCATGGAAACAGTG-3'
Protein context (NP_000987.2, residues 52-72): KAKNNTVTPG[Gly62Ser]KPNKTRVIWG